The following is an entry in ClinVar:

ClinVar aggregate classification (germline): Pathogenic/Likely pathogenic. Review status: criteria provided, multiple submitters, no conflicts (2 of 4 stars). 2 submissions from 2 submitters: Pathogenic (1); Likely pathogenic (1). Last evaluated 2023-03-12.

Conditions:
Charcot-Marie-Tooth disease axonal type 2V. Also called: CHARCOT-MARIE-TOOTH NEUROPATHY, TYPE 2V; CHARCOT-MARIE-TOOTH DISEASE, AXONAL, AUTOSOMAL DOMINANT, TYPE 2V. Identifiers: Orphanet 447964, MedGen C5569050, MONDO:0014665, OMIM 616491.
Mucopolysaccharidosis, MPS-III-B (MPS3B). Also called: N-ACETYL-ALPHA-D-GLUCOSAMINIDASE DEFICIENCY; NAGLU DEFICIENCY; SANFILIPPO SYNDROME B; MPS III B; MUCOPOLYSACCHARIDOSIS, TYPE IIIB; MPS IIIB (Sanfilippo Syndrome Type B). Identifiers: Orphanet 79270, MedGen C0086648, MONDO:0009656, OMIM 252920.

Submissions (2):

Labcorp Genetics (formerly Invitae), Labcorp
Classification: Pathogenic for Charcot-Marie-Tooth disease axonal type 2V; Mucopolysaccharidosis, MPS-III-B. Last evaluated: 2023-03-12. Review status: criteria provided, single submitter. Criteria: Invitae Variant Classification Sherloc (09022015). Collection method: clinical testing. Allele origin: germline.
Comment: For these reasons, this variant has been classified as Pathogenic. This variant disrupts a region of the NAGLU protein in which other variant(s) (p.Gln706*) have been determined to be pathogenic (PMID: 9443875, 29661560). This suggests that this is a clinically significant region of the protein, and that variants that disrupt it are likely to be disease-causing. ClinVar contains an entry for this variant (Variation ID: 2062757). This variant has not been reported in the literature in individuals affected with NAGLU-related conditions. This variant is not present in population databases (gnomAD no frequency). This sequence change creates a premature translational stop signal (p.Ser500Glyfs*9) in the NAGLU gene. While this is not anticipated to result in nonsense mediated decay, it is expected to disrupt the last 244 amino acid(s) of the NAGLU protein.

Revvity Omics, Revvity
Classification: Likely pathogenic. Last evaluated: 2021-12-21. Review status: criteria provided, single submitter. Criteria: ACMG Guidelines, 2015. Collection method: clinical testing. Allele origin: germline.

Literature cited by the submitters: PubMed 9443875 (cited by Labcorp Genetics (formerly Invitae), Labcorp); PubMed 29661560 (cited by Labcorp Genetics (formerly Invitae), Labcorp).

NM_000263.4(NAGLU):c.1498_1517del (p.Ser500fs)

Gene: NAGLU (N-acetyl-alpha-glucosaminidase; plus strand). Cytogenetic location: 17q21.2.
Variant type: Deletion.
Coding change: c.1498_1517del on transcript NM_000263.4 (MANE Select); coding-DNA positions 1498 to 1517, 20 bases deleted (AGTGTGTACAACTGCTCCGG).
Protein change: p.Ser500fs; shifts the reading frame from serine 500.
Molecular consequence: frameshift variant.
Genome position (GRCh38, 1-based): chr17:42,543,504-42,543,523, AGTGTGTACAACTGCTCCGG deleted; deleting any 20 consecutive bases within chr17:42,543,494-42,543,523 gives the same sequence; the c. name uses the placement nearest the transcript's 3' end. VCF-style (leftmost placement, unchanged base first): chr17-42543493-TACTGCTCCGGAGTGTGTACA-T. GRCh37 (hg19) VCF-style: chr17-40695511-TACTGCTCCGGAGTGTGTACA-T.
Other names: short protein forms S500fs.
Identifiers: ClinVar variation 2062757 (VCV002062757.7), dbSNP rs1884683982, ClinGen allele CA2580094275.